The following is an entry in ClinVar:

ClinVar aggregate classification (germline): Benign/Likely benign. Review status: criteria provided, multiple submitters, no conflicts (2 of 4 stars). 3 submissions from 3 submitters: Benign (1); Likely benign (2). Last evaluated 2026-01-21.

Conditions:
Congenital stationary night blindness 1E. Also called: Night blindness, congenital stationary (complete), 1E, autosomal recessive. Identifiers: Orphanet 215, MedGen C3281215, MONDO:0013807, OMIM 614565.

Allele frequency attached by ClinVar (database versions not stated): gnomAD exomes 0.00103 and 0.00300; ExAC 0.00354; ESP Exome Variant Server 0.01127; gnomAD 0.01135 and 0.01200; TOPMed 0.01237; 1000 Genomes Project 0.01298; 1000 Genomes Project 30x 0.01421.
gnomAD v4.1: 3,328 of 1,614,094 alleles (0.21%); highest among the groups gnomAD compares: African/African-American, 3.9%; 79 homozygotes.

Submissions (3):

Labcorp Genetics (formerly Invitae), Labcorp
Classification: Benign. Last evaluated: 2026-01-21. Review status: criteria provided, single submitter. Criteria: Invitae Variant Classification Sherloc (09022015). Collection method: clinical testing. Allele origin: germline.

Illumina Laboratory Services, Illumina
Classification: Likely benign for Congenital stationary night blindness 1E. Last evaluated: 2017-04-27. Review status: criteria provided, single submitter. Criteria: ICSL Variant Classification Criteria 13 December 2019. Collection method: clinical testing. Allele origin: germline.
Comment: This variant was observed as part of a predisposition screen in an ostensibly healthy population. A literature search was performed for the gene, cDNA change, and amino acid change (where applicable). No publications were found based on this search. Allele frequency data from public databases allowed determination this variant is unlikely to cause disease. Therefore, this variant is classified as likely benign.

Breakthrough Genomics
Classification: Likely benign. Review status: criteria provided, single submitter. Criteria: ACMG Guidelines, 2015. Collection method: not provided. Allele origin: germline. Inheritance: Autosomal recessive inheritance. Affected: yes.

NM_001004334.4(GPR179):c.654T>G (p.Asp218Glu)

Gene: GPR179 (G protein-coupled receptor 179; minus strand). Cytogenetic location: 17q12.
Variant type: single nucleotide variant.
Coding change: c.654T>G on transcript NM_001004334.4 (MANE Select); coding-DNA position 654, T replaced by G.
Protein change: p.Asp218Glu; replaces aspartic acid 218 with glutamic acid.
Molecular consequence: missense variant.
Genome position (GRCh38, 1-based): chr17:38,343,136, A>C on the plus strand (T>G on the coding strand, the complement: GPR179 is on the minus strand). VCF-style: chr17-38343136-A-C. GRCh37 (hg19) VCF-style: chr17-36499019-A-C.
Other names: short protein forms D218E.
Identifiers: ClinVar variation 323035 (VCV000323035.14), dbSNP rs74871223, ClinGen allele CA10639560.